The following is an entry in ClinVar:

ClinVar aggregate classification (germline): Uncertain significance (1 of 4 stars; one submission).

Submission:

GeneDx
Classification: Uncertain significance. Last evaluated: 2021-04-07. Review status: criteria provided, single submitter. Criteria: GeneDx Variant Classification Process June 2021. Collection method: clinical testing. Allele origin: germline. Affected: yes.
Comment: Has not been previously published as pathogenic or benign to our knowledge; Not observed in large population cohorts (Lek et al., 2016); In silico analysis supports that this missense variant has a deleterious effect on protein structure/function

NM_004370.6(COL12A1):c.8342A>T (p.Asp2781Val)

Gene: COL12A1 (collagen type XII alpha 1 chain; minus strand). Cytogenetic location: 6q13.
Variant type: single nucleotide variant.
Coding change: c.8342A>T on transcript NM_004370.6 (MANE Select); coding-DNA position 8342, A replaced by T.
Protein change: p.Asp2781Val; replaces aspartic acid 2781 with valine.
Molecular consequence: missense variant.
Genome position (GRCh38, 1-based): chr6:75,102,670, T>A on the plus strand (A>T on the coding strand, the complement: COL12A1 is on the minus strand). VCF-style: chr6-75102670-T-A. GRCh37 (hg19) VCF-style: chr6-75812386-T-A.
Other names: c.4850A>T, p.Asp1617Val (NM_080645.3); short protein forms D1617V, D2781V.
Identifiers: ClinVar variation 1320893 (VCV001320893.2), dbSNP rs1197055761, ClinGen allele CA364739720.